The following is an entry in ClinVar:

NM_014921.5(ADGRL1):c.3851T>C (p.Val1284Ala)

Genes: ADGRL1 (adhesion G protein-coupled receptor L1; minus strand), ADGRL1-AS1 (ADGRL1 antisense RNA 1; plus strand). Cytogenetic location: 19p13.12.
Variant type: single nucleotide variant.
Coding change: c.3851T>C on transcript NM_014921.5 (MANE Select); coding-DNA position 3851, T replaced by C.
Protein change: p.Val1284Ala; replaces valine 1284 with alanine.
Molecular consequence: missense variant.
Genome position (GRCh38, 1-based): chr19:14,151,432, A>G on the plus strand (T>C on the coding strand, the complement: ADGRL1 is on the minus strand). VCF-style: chr19-14151432-A-G. GRCh37 (hg19) VCF-style: chr19-14262244-A-G.
Other names: c.3866T>C, p.Val1289Ala (NM_001008701.3); short protein forms V1284A, V1289A.
Identifiers: ClinVar variation 2649415 (VCV002649415.24), dbSNP rs2512705555, ClinGen allele CA404386873.

ClinVar aggregate classification (germline): Uncertain significance (1 of 4 stars; one submission).

Submission:

CeGaT Center for Human Genetics Tuebingen
Classification: Uncertain significance. Last evaluated: 2023-09-01. Review status: criteria provided, single submitter. Criteria: CeGaT Center For Human Genetics Tuebingen Variant Classification Criteria Version 2. Collection method: clinical testing. Allele origin: germline. Affected: yes. Observed: 1 variant allele.
Comment: ADGRL1: PM2, PP3